The following is an entry in ClinVar:

ClinVar aggregate classification (germline): Pathogenic. Review status: criteria provided, single submitter (1 of 4 stars). 3 submissions from 3 submitters: Pathogenic (1). 2 of the submissions do not count toward it. Last evaluated 2017-08-21.

Conditions:
Hereditary cancer-predisposing syndrome. Also called: Hereditary Cancer Syndrome; Tumor predisposition; Neoplastic Syndromes, Hereditary; Hereditary neoplastic syndrome. Identifiers: Orphanet 140162, MedGen C0027672, MeSH D009386, MONDO:0015356.

Submissions (3):

Ambry Genetics
Classification: Pathogenic for Hereditary cancer-predisposing syndrome. Last evaluated: 2017-08-21. Review status: criteria provided, single submitter. Criteria: Ambry Variant Classification Scheme 2023. Collection method: clinical testing. Allele origin: germline.
Comment: The p.S664* pathogenic mutation (also known as c.1991C>G), located in coding exon 4 of the MSH6 gene, results from a C to G substitution at nucleotide position 1991. This changes the amino acid from a serine to a stop codon within coding exon 4. In addition to the clinical data presented in the literature, this alteration is expected to result in loss of function by premature protein truncation or nonsense-mediated mRNA decay. As such, this alteration is interpreted as a disease-causing mutation.

Clinical Genetics DNA and cytogenetics Diagnostics Lab, Erasmus MC, Erasmus Medical Center
Classification: Pathogenic. Review status: no assertion criteria provided. Collection method: clinical testing. Allele origin: germline. Affected: yes. Study: VKGL Data-share Consensus. Not counted in ClinVar's aggregate classification.

Laboratory of Diagnostic Genome Analysis, Leiden University Medical Center (LUMC)
Classification: Pathogenic. Review status: no assertion criteria provided. Collection method: clinical testing. Allele origin: germline. Affected: yes. Study: VKGL Data-share Consensus. Not counted in ClinVar's aggregate classification.

Literature cited by the submitters: PubMed 22081473 (cited by Ambry Genetics).

NM_000179.3(MSH6):c.1991C>G (p.Ser664Ter)

Gene: MSH6 (mutS homolog 6; plus strand). Cytogenetic location: 2p16.3.
Variant type: single nucleotide variant.
Coding change: c.1991C>G on transcript NM_000179.3 (MANE Select); coding-DNA position 1991, C replaced by G.
Protein change: p.Ser664Ter; replaces serine 664 with a stop codon.
Molecular consequence: nonsense.
Genome position (GRCh38, 1-based): chr2:47,799,974, C>G. VCF-style: chr2-47799974-C-G. GRCh37 (hg19) VCF-style: chr2-48027113-C-G.
Other names: c.1601C>G, p.Ser534Ter (NM_001281492.2); c.1085C>G, p.Ser362Ter (NM_001281493.2, NM_001281494.2); short protein forms S362*, S534*, S664*.
Identifiers: ClinVar variation 1328327 (VCV001328327.4), dbSNP rs1553413355, ClinGen allele CA346750649.